The following is an entry in ClinVar:

ClinVar aggregate classification (germline): Uncertain significance. Review status: criteria provided, multiple submitters, no conflicts (2 of 4 stars). 2 submissions from 2 submitters: Uncertain significance (2). Last evaluated 2024-03-07.

Conditions:
Inborn genetic diseases. Identifiers: MedGen C0950123, MeSH D030342.

Allele frequency attached by ClinVar (database versions not stated): gnomAD exomes below 0.00001 and 0.00001; TOPMed 0.00003; ExAC 0.00004; ESP Exome Variant Server 0.00009.
gnomAD v4.1: 1 of 1,535,080 alleles (0.000065%); highest among the groups gnomAD compares: African/African-American, 0.0015%; no homozygotes.

Submissions (2):

Ambry Genetics
Classification: Uncertain significance for Inborn genetic diseases. Last evaluated: 2024-03-07. Review status: criteria provided, single submitter. Criteria: Ambry Variant Classification Scheme 2023. Collection method: clinical testing. Allele origin: germline.

Labcorp Genetics (formerly Invitae), Labcorp
Classification: Uncertain significance. Last evaluated: 2022-11-01. Review status: criteria provided, single submitter. Criteria: Invitae Variant Classification Sherloc (09022015). Collection method: clinical testing. Allele origin: germline.
Comment: ClinVar contains an entry for this variant (Variation ID: 848189). This variant has not been reported in the literature in individuals affected with PROM1-related conditions. This sequence change replaces phenylalanine, which is neutral and non-polar, with tyrosine, which is neutral and polar, at codon 796 of the PROM1 protein (p.Phe796Tyr). This variant is present in population databases (rs376134203, gnomAD 0.01%). Advanced modeling of protein sequence and biophysical properties (such as structural, functional, and spatial information, amino acid conservation, physicochemical variation, residue mobility, and thermodynamic stability) performed at Invitae indicates that this missense variant is expected to disrupt PROM1 protein function. In summary, the available evidence is currently insufficient to determine the role of this variant in disease. Therefore, it has been classified as a Variant of Uncertain Significance.

NM_006017.3(PROM1):c.2387T>A (p.Phe796Tyr)

Gene: PROM1 (prominin 1; minus strand). Cytogenetic location: 4p15.32.
Variant type: single nucleotide variant.
Coding change: c.2387T>A on transcript NM_006017.3 (MANE Select); coding-DNA position 2387, T replaced by A.
Protein change: p.Phe796Tyr; replaces phenylalanine 796 with tyrosine.
Molecular consequence: missense variant.
Genome position (GRCh38, 1-based): chr4:15,980,524, A>T on the plus strand (T>A on the coding strand, the complement: PROM1 is on the minus strand). VCF-style: chr4-15980524-A-T. GRCh37 (hg19) VCF-style: chr4-15982147-A-T.
Other names: c.2360T>A, p.Phe787Tyr (NM_001145847.2, NM_001145848.2, NM_001145851.2 and 4 more transcripts); c.2387T>A, p.Phe796Tyr (NM_001145849.2, NM_001145850.2); short protein forms F796Y, F787Y.
Identifiers: ClinVar variation 848189 (VCV000848189.12), dbSNP rs376134203, ClinGen allele CA2866400.
Genomic context (GRCh38, chr4:15,980,524, plus strand): 5'-GCCAGTTTTACCGCAAAAATTAGAGCCGGAAGTAAAAATACAGTAGCTTTTCCTATGCCA[A>T]ACCAAAACAAATTCTAGGAAAAAAAAATCAGAAGAATTAAATGTTTGAAGATAAGAAATG-3'
Protein context (NP_006008.1, residues 786-806): YIIDPLNLFW[Phe796Tyr]GIGKATVFLL